The following is an entry in ClinVar:

NM_022367.4(SEMA4A):c.187G>A (p.Asp63Asn)

Gene: SEMA4A (semaphorin 4A; plus strand). Cytogenetic location: 1q22.
Variant type: single nucleotide variant.
Coding change: c.187G>A on transcript NM_022367.4 (MANE Select); coding-DNA position 187, G replaced by A.
Protein change: p.Asp63Asn; replaces aspartic acid 63 with asparagine.
Molecular consequence: missense variant. On other transcripts: 5 prime UTR variant (4).
Genome position (GRCh38, 1-based): chr1:156,156,461, G>A. VCF-style: chr1-156156461-G-A. GRCh37 (hg19) VCF-style: chr1-156126252-G-A.
Other names: c.187G>A, p.Asp63Asn (NM_001193300.2, NM_001193301.2, NM_001370567.1); c.-111G>A (NM_001193302.2, NM_001370568.1); c.-338G>A (NM_001370569.1, NM_001370571.1); short protein forms D63N.
Identifiers: ClinVar variation 1047511 (VCV001047511.8), dbSNP rs769950018, ClinGen allele CA1154943.

ClinVar aggregate classification (germline): Uncertain significance (1 of 4 stars; one submission).

Allele frequency attached by ClinVar (database versions not stated): ExAC 0.00001; gnomAD 0.00001; gnomAD exomes 0.00001; TOPMed 0.00002.
gnomAD v4.1: 20 of 1,614,018 alleles (0.0012%); highest among the groups gnomAD compares: Non-Finnish European, 0.0015%; no homozygotes.

Submission:

Labcorp Genetics (formerly Invitae), Labcorp
Classification: Uncertain significance. Last evaluated: 2024-04-09. Review status: criteria provided, single submitter. Criteria: Invitae Variant Classification Sherloc (09022015). Collection method: clinical testing. Allele origin: germline.
Comment: This sequence change replaces aspartic acid, which is acidic and polar, with asparagine, which is neutral and polar, at codon 63 of the SEMA4A protein (p.Asp63Asn). This variant is present in population databases (rs769950018, gnomAD 0.002%). This variant has not been reported in the literature in individuals affected with SEMA4A-related conditions. ClinVar contains an entry for this variant (Variation ID: 1047511). Advanced modeling of protein sequence and biophysical properties (such as structural, functional, and spatial information, amino acid conservation, physicochemical variation, residue mobility, and thermodynamic stability) performed at Invitae indicates that this missense variant is not expected to disrupt SEMA4A protein function with a negative predictive value of 80%. In summary, the available evidence is currently insufficient to determine the role of this variant in disease. Therefore, it has been classified as a Variant of Uncertain Significance.